The following is an entry in ClinVar:

NM_000059.4(BRCA2):c.614G>A (p.Ser205Asn)

Gene: BRCA2 (BRCA2 DNA repair associated; plus strand). Cytogenetic location: 13q13.1.
Variant type: single nucleotide variant.
Coding change: c.614G>A on transcript NM_000059.4 (MANE Select); coding-DNA position 614, G replaced by A.
Protein change: p.Ser205Asn; replaces serine 205 with asparagine.
Molecular consequence: missense variant. On other transcripts: non-coding transcript variant (1).
Genome position (GRCh38, 1-based): chr13:32,326,596, G>A. VCF-style: chr13-32326596-G-A. GRCh37 (hg19) VCF-style: chr13-32900733-G-A.
Other names: c.614G>A, p.Ser205Asn (NM_001406719.1, NM_001406720.1, NM_001406721.1 and 1 more transcripts); c.245G>A, p.Ser82Asn (NM_001406722.1); short protein forms S205N, S82N.
Identifiers: ClinVar variation 4215901 (VCV004215901.1).

ClinVar aggregate classification (germline): Uncertain significance (1 of 4 stars; one submission).

Conditions:
Hereditary cancer-predisposing syndrome. Also called: Hereditary Cancer Syndrome; Hereditary neoplastic syndrome; Neoplastic Syndromes, Hereditary; Tumor predisposition. Identifiers: Orphanet 140162, MedGen C0027672, MeSH D009386, MONDO:0015356.

Submission:

Ambry Genetics
Classification: Uncertain significance for Hereditary cancer-predisposing syndrome. Last evaluated: 2025-08-08. Review status: criteria provided, single submitter. Criteria: Ambry Variant Classification Scheme 2023. Collection method: clinical testing. Allele origin: germline.
Comment: The p.S205N variant (also known as c.614G>A), located in coding exon 6 of the BRCA2 gene, results from a G to A substitution at nucleotide position 614. The serine at codon 205 is replaced by asparagine, an amino acid with highly similar properties. This amino acid position is conserved. In addition, this alteration is predicted to be tolerated by in silico analysis. Based on the available evidence, the clinical significance of this variant remains unclear.